The following is an entry in ClinVar:

ClinVar aggregate classification (germline): Benign/Likely benign. Review status: criteria provided, multiple submitters, no conflicts (2 of 4 stars). 3 submissions from 3 submitters: Benign (1); Likely benign (2). Last evaluated 2025-04-30.

Conditions:
Hereditary cancer-predisposing syndrome. Also called: Hereditary neoplastic syndrome; Neoplastic Syndromes, Hereditary; Tumor predisposition; Hereditary Cancer Syndrome. Identifiers: Orphanet 140162, MedGen C0027672, MeSH D009386, MONDO:0015356.
Prostate cancer, hereditary, 9 (HPC9). Identifiers: Orphanet 1331, MedGen C1970250, MONDO:0012597, OMIM 610997.

Submissions (3):

Labcorp Genetics (formerly Invitae), Labcorp
Classification: Likely benign. Last evaluated: 2025-04-30. Review status: criteria provided, single submitter. Criteria: Invitae Variant Classification Sherloc (09022015). Collection method: clinical testing. Allele origin: germline.

Myriad Genetics, Inc.
Classification: Benign for Prostate cancer, hereditary, 9. Last evaluated: 2024-10-31. Review status: criteria provided, single submitter. Criteria: Myriad Autosomal Dominant, Autosomal Recessive and X-Linked Classification Criteria (2023). Collection method: clinical testing. Allele origin: unknown.
Comment: This variant is considered benign. This variant is a silent/synonymous amino acid change and it is not expected to impact splicing.

Ambry Genetics
Classification: Likely benign for Hereditary cancer-predisposing syndrome. Last evaluated: 2024-08-13. Review status: criteria provided, single submitter. Criteria: Ambry Variant Classification Scheme 2023. Collection method: clinical testing. Allele origin: germline.

NM_006361.6(HOXB13):c.726C>G (p.Thr242=)

Gene: HOXB13 (homeobox B13; minus strand). Cytogenetic location: 17q21.32.
Variant type: single nucleotide variant.
Coding change: c.726C>G on transcript NM_006361.6 (MANE Select); coding-DNA position 726, C replaced by G.
Protein change: p.Thr242=; no amino-acid change (threonine 242 retained).
Molecular consequence: synonymous variant.
Genome position (GRCh38, 1-based): chr17:48,726,919, G>C on the plus strand (C>G on the coding strand, the complement: HOXB13 is on the minus strand). VCF-style: chr17-48726919-G-C. GRCh37 (hg19) VCF-style: chr17-46804281-G-C.
Identifiers: ClinVar variation 2099341 (VCV002099341.6), dbSNP rs1597932743, ClinGen allele CA500500806.